The following is an entry in ClinVar:

ClinVar aggregate classification (germline): Uncertain significance (1 of 4 stars; one submission).

Conditions:
Inborn genetic diseases. Identifiers: MedGen C0950123, MeSH D030342.

Submission:

Ambry Genetics
Classification: Uncertain significance for Inborn genetic diseases. Last evaluated: 2025-09-12. Review status: criteria provided, single submitter. Criteria: Ambry Variant Classification Scheme 2023. Collection method: clinical testing. Allele origin: germline.
Comment: The p.A544V variant (also known as c.1631C>T), located in coding exon 8 of the MECOM gene, results from a C to T substitution at nucleotide position 1631. The alanine at codon 544 is replaced by valine, an amino acid with similar properties. This amino acid position is conserved. In addition, this alteration is predicted to be tolerated by in silico analysis. Based on the available evidence, the clinical significance of this variant remains unclear.

NM_004991.4(MECOM):c.1631C>T (p.Ala544Val)

Gene: MECOM (MDS1 and EVI1 complex locus; minus strand). Cytogenetic location: 3q26.2.
Variant type: single nucleotide variant.
Coding change: c.1631C>T on transcript NM_004991.4 (MANE Select); coding-DNA position 1631, C replaced by T.
Protein change: p.Ala544Val; replaces alanine 544 with valine.
Molecular consequence: missense variant. On other transcripts: intron variant (2).
Genome position (GRCh38, 1-based): chr3:169,116,241, G>A on the plus strand (C>T on the coding strand, the complement: MECOM is on the minus strand). VCF-style: chr3-169116241-G-A. GRCh37 (hg19) VCF-style: chr3-168834029-G-A.
Other names: c.1262C>T, p.Ala421Val (NM_001105077.4); c.1067C>T, p.Ala356Val (NM_001105078.4, NM_001164000.2, NM_001205194.2 and 4 more transcripts); c.1070C>T, p.Ala357Val (NM_001163999.2, NM_001366467.2, NM_001366468.2 and 1 more transcripts); c.1631C>T, p.Ala544Val (NM_001366466.2); c.1133-474C>T (NM_001366473.2); c.569-474C>T (NM_001366474.2); short protein forms A356V, A544V, A357V, A421V.
Identifiers: ClinVar variation 4105921 (VCV004105921.1).